The following is an entry in ClinVar:

ClinVar aggregate classification (germline): Uncertain significance (1 of 4 stars; one submission).

Conditions:
RASopathy. Also called: rasopathies; Noonan spectrum disorder. Identifiers: Orphanet 536391, MedGen C5555857, MONDO:0021060.

Submission:

Labcorp Genetics (formerly Invitae), Labcorp
Classification: Uncertain significance for RASopathy. Last evaluated: 2022-10-27. Review status: criteria provided, single submitter. Criteria: Invitae Variant Classification Sherloc (09022015). Collection method: clinical testing. Allele origin: germline.
Comment: This sequence change falls in intron 13 of the PTPN11 gene. It does not directly change the encoded amino acid sequence of the PTPN11 protein. It affects a nucleotide within the consensus splice site. This variant is not present in population databases (gnomAD no frequency). This variant has not been reported in the literature in individuals affected with PTPN11-related conditions. Variants that disrupt the consensus splice site are a relatively common cause of aberrant splicing (PMID: 17576681, 9536098). Algorithms developed to predict the effect of sequence changes on RNA splicing suggest that this variant is not likely to affect RNA splicing. In summary, the available evidence is currently insufficient to determine the role of this variant in disease. Therefore, it has been classified as a Variant of Uncertain Significance.

Literature cited by the submitters: PubMed 17576681; PubMed 9536098.

NM_002834.5(PTPN11):c.1599+6A>C

Gene: PTPN11 (protein tyrosine phosphatase non-receptor type 11; plus strand). Cytogenetic location: 12q24.13.
Variant type: single nucleotide variant.
Coding change: c.1599+6A>C on transcript NM_002834.5 (MANE Select); 6 bases into the intron after coding-DNA position 1599, A replaced by C.
Molecular consequence: intron variant.
Genome position (GRCh38, 1-based): chr12:112,489,181, A>C. VCF-style: chr12-112489181-A-C. GRCh37 (hg19) VCF-style: chr12-112926985-A-C.
Other names: c.1611+6A>C (NM_001330437.2); c.1596+6A>C (NM_001374625.1).
Identifiers: ClinVar variation 2036948 (VCV002036948.4), dbSNP rs1355647459, ClinGen allele CA2580085828.